The following is an entry in ClinVar:

NM_002317.7(LOX):c.375C>T (p.Phe125=)

Genes: LOX (lysyl oxidase; minus strand), SRFBP1 (serum response factor binding protein 1; plus strand). Cytogenetic location: 5q23.1.
Variant type: single nucleotide variant.
Coding change: c.375C>T on transcript NM_002317.7 (MANE Select); coding-DNA position 375, C replaced by T.
Protein change: p.Phe125=; no amino-acid change (phenylalanine 125 retained).
Molecular consequence: synonymous variant.
Genome position (GRCh38, 1-based): chr5:122,077,611, G>A on the plus strand (C>T on the coding strand, the complement: LOX is on the minus strand). VCF-style: chr5-122077611-G-A. GRCh37 (hg19) VCF-style: chr5-121413306-G-A.
Identifiers: ClinVar variation 4071788 (VCV004071788.2).

ClinVar aggregate classification (germline): Uncertain significance. Review status: criteria provided, multiple submitters, no conflicts (2 of 4 stars). 2 submissions from 2 submitters: Uncertain significance (2). Last evaluated 2025-01-22.

gnomAD v4.1: 12 of 1,612,240 alleles (0.00074%); highest among the groups gnomAD compares: Non-Finnish European, 0.00093%; no homozygotes.

Submissions (2):

GeneDx
Classification: Uncertain significance. Last evaluated: 2025-01-22. Review status: criteria provided, single submitter. Criteria: GeneDx Variant Classification Process June 2021. Collection method: clinical testing. Allele origin: germline. Affected: yes.
Comment: Not observed at significant frequency in large population cohorts (gnomAD); In silico analysis indicates that this variant does not alter splicing; Has not been previously published as pathogenic or benign to our knowledge

Blueprint Genetics
Classification: Uncertain significance. Last evaluated: 2022-11-24. Review status: criteria provided, single submitter. Criteria: ACMG Guidelines, 2015. Collection method: clinical testing. Allele origin: germline.